The following is an entry in ClinVar:

ClinVar aggregate classification (germline): Pathogenic. Review status: reviewed by expert panel (3 of 4 stars). 2 submissions from 2 submitters: Pathogenic (1). 1 of the submissions does not count toward it. Last evaluated 2026-11-20.

Conditions:
RPGR-related retinopathy. Also called: RPGR retinopathy. Identifiers: MedGen CN305589, MONDO:0100437.
Primary ciliary dyskinesia. Also called: Ciliary dyskinesia. Identifiers: Orphanet 244, MedGen C0008780, MONDO:0016575, HP:0012265.

Submissions (2):

ClinGen X-linked Inherited Retinal Disease Variant Curation Expert Panel, ClinGen
Classification: Pathogenic for RPGR-related retinopathy. Last evaluated: 2026-11-20. Review status: reviewed by expert panel. Criteria: ClinGen X LinkedIRD ACMG Specifications RPGR V1.0.0. Collection method: curation. Allele origin: germline. Inheritance: X-linked inheritance.
Comment: The NM_001034853.2(RPGR):c.1591G>T variant is a nonsense variant that introduces a premature stop codon between amino acids 1-1132 that is predicted to either trigger nonsense-mediated decay or to disrupt a critical C-terminal region required for proper glutamylation of RPGR (PVS1, PMID: 36445968). This variant is absent from hemizygous individuals in gnomAD v4.1.0 (PM2_Supporting). This variant has been reported in at least one proband meeting the PS4 requirement of being a male aged <30y with visual impairment and/or ERG/FAF (PMID: 27768226). PS4_Supporting requires at least 2 unrelated probands, so this criterion was not met. At least one proband harboring this variant exhibits a phenotype including first decade onset (1 point), milder phenotype in female relatives (1 point), night blindness (0.5 points), family history consistent with X-linked inheritance (2 points), and visual field constrictions (0.5 points), which together are specific for RPGR-related retinopathy (5 points, PMID: 27768226; PP4). The variant has been reported to segregate with retinal dystrophy through 2 meioses in one family (PP1; PMID: 27768226). In summary, this variant is classified as pathogenic for RPGR-related retinopathy based on the ACMG/AMP criteria applied, as specified by the ClinGen X-linked IRD VCEP: PVS1, PM2_Supporting, PP1, and PP4.

Labcorp Genetics (formerly Invitae), Labcorp
Classification: Pathogenic for Primary ciliary dyskinesia. Last evaluated: 2022-10-24. Review status: criteria provided, single submitter. Criteria: Invitae Variant Classification Sherloc (09022015). Collection method: clinical testing. Allele origin: germline. Not counted in ClinVar's aggregate classification.
Comment: This sequence change creates a premature translational stop signal (p.Glu531*) in the RPGR gene. It is expected to result in an absent or disrupted protein product. Loss-of-function variants in RPGR are known to be pathogenic (PMID: 16055928, 16969763). This variant is not present in population databases (gnomAD no frequency). This premature translational stop signal has been observed in individual(s) with X-linked retinitis pigmentosa (PMID: 27768226). It has also been observed to segregate with disease in related individuals. Algorithms developed to predict the effect of sequence changes on RNA splicing suggest that this variant may disrupt the consensus splice site. For these reasons, this variant has been classified as Pathogenic.

Literature cited by the submitters: PubMed 16055928 (cited by Labcorp Genetics (formerly Invitae), Labcorp); PubMed 16969763 (cited by Labcorp Genetics (formerly Invitae), Labcorp); PubMed 27768226 (cited by Labcorp Genetics (formerly Invitae), Labcorp).

NM_001034853.2(RPGR):c.1591G>T (p.Glu531Ter)

Gene: RPGR (retinitis pigmentosa GTPase regulator; minus strand). Cytogenetic location: Xp11.4.
Variant type: single nucleotide variant.
Coding change: c.1591G>T on transcript NM_001034853.2 (MANE Select); coding-DNA position 1591, G replaced by T.
Protein change: p.Glu531Ter; replaces glutamic acid 531 with a stop codon.
Molecular consequence: nonsense. On other transcripts: non-coding transcript variant (1), intron variant (5).
Genome position (GRCh38, 1-based): chrX:38,288,023, C>A on the plus strand (G>T on the coding strand, the complement: RPGR is on the minus strand). VCF-style: chrX-38288023-C-A. GRCh37 (hg19) VCF-style: chrX-38147276-C-A.
Other names: NM_001034853.2(RPGR):c.1591G>T; p.Glu531Ter; c.1591G>T, p.Glu531Ter (NM_000328.3); c.1588G>T, p.Glu530Ter (NM_001367245.1); c.1405G>T, p.Glu469Ter (NM_001367246.1); c.1569+2936G>T (NM_001367249.1, NM_001367250.1); c.1386+2936G>T (NM_001367251.1); c.1572+2936G>T (NM_001367247.1); and 1 more; short protein forms E469*, E531*, E530*.
Identifiers: ClinVar variation 2138539 (VCV002138539.5), dbSNP rs2519798980, ClinGen allele CA412737501.